The following is an entry in ClinVar:

NM_053025.4(MYLK):c.2598del (p.Glu867fs)

Gene: MYLK (myosin light chain kinase; minus strand). Cytogenetic location: 3q21.1.
Variant type: Deletion.
Coding change: c.2598del on transcript NM_053025.4 (MANE Select); coding-DNA position 2598, one base deleted (C; older notation c.2598delC).
Protein change: p.Glu867fs; shifts the reading frame from glutamic acid 867.
Molecular consequence: frameshift variant.
Genome position (GRCh38, 1-based): chr3:123,700,870, G deleted on the plus strand (C on the coding strand, the reverse complement: MYLK is on the minus strand). VCF-style (leftmost placement, unchanged base first): chr3-123700869-CG-C. GRCh37 (hg19) VCF-style: chr3-123419716-CG-C.
Other names: c.2070del, p.Glu691fs (NM_001321309.2); c.2391del, p.Glu798fs (NM_053026.4, NM_053028.4); c.2598del, p.Glu867fs (NM_053027.4); short protein forms E867fs, E691fs, E798fs.
Identifiers: ClinVar variation 2765413 (VCV002765413.3), dbSNP rs2474188182, ClinGen allele CA2697556806.

ClinVar aggregate classification (germline): Uncertain significance (1 of 4 stars; one submission).

Conditions:
Aortic aneurysm, familial thoracic 7 (AAT7). Also called: AORTIC DISSECTION, FAMILIAL, WITH OR WITHOUT AORTIC ANEURYSM. Identifiers: MedGen C3151077, MONDO:0013418, OMIM 613780.

Submission:

Labcorp Genetics (formerly Invitae), Labcorp
Classification: Uncertain significance for Aortic aneurysm, familial thoracic 7. Last evaluated: 2023-10-04. Review status: criteria provided, single submitter. Criteria: Invitae Variant Classification Sherloc (09022015). Collection method: clinical testing. Allele origin: germline.
Comment: This sequence change creates a premature translational stop signal (p.Glu867Argfs*7) in the MYLK gene. This variant occurs in the long isoform of MYLK (PMID: 21055718). The current clinical and genetic evidence is not sufficient to establish whether loss-of-function variants in the long isoform of MYLK cause disease. This variant is not present in population databases (gnomAD no frequency). This variant has not been reported in the literature in individuals affected with MYLK-related conditions. In summary, the available evidence is currently insufficient to determine the role of this variant in disease. Therefore, it has been classified as a Variant of Uncertain Significance.

Literature cited by the submitters: PubMed 21055718.